The following is an entry in ClinVar:

NM_001291303.3(FAT4):c.14281A>G (p.Met4761Val)

Gene: FAT4 (FAT atypical cadherin 4; plus strand). Cytogenetic location: 4q28.1.
Variant type: single nucleotide variant.
Coding change: c.14281A>G on transcript NM_001291303.3 (MANE Select); coding-DNA position 14281, A replaced by G.
Protein change: p.Met4761Val; replaces methionine 4761 with valine.
Molecular consequence: missense variant.
Genome position (GRCh38, 1-based): chr4:125,491,097, A>G. VCF-style: chr4-125491097-A-G. GRCh37 (hg19) VCF-style: chr4-126412252-A-G.
Other names: c.14278A>G, p.Met4760Val (NM_001291285.3); c.14275A>G, p.Met4759Val (NM_024582.6); short protein forms M4760V, M4759V, M4761V.
Identifiers: ClinVar variation 1921849 (VCV001921849.5), dbSNP rs1321322849, ClinGen allele CA358141587.

ClinVar aggregate classification (germline): Uncertain significance (1 of 4 stars; one submission).

Allele frequency attached by ClinVar (database versions not stated): gnomAD exomes below 0.00001; TOPMed below 0.00001.
gnomAD v4.1: 2 of 1,614,198 alleles (0.00012%); highest among the groups gnomAD compares: Admixed American, 0.0033%; no homozygotes.

Submission:

Labcorp Genetics (formerly Invitae), Labcorp
Classification: Uncertain significance. Last evaluated: 2024-06-17. Review status: criteria provided, single submitter. Criteria: Invitae Variant Classification Sherloc (09022015). Collection method: clinical testing. Allele origin: germline.
Comment: This sequence change replaces methionine, which is neutral and non-polar, with valine, which is neutral and non-polar, at codon 4759 of the FAT4 protein (p.Met4759Val). This variant is present in population databases (no rsID available, gnomAD 0.006%). This variant has not been reported in the literature in individuals affected with FAT4-related conditions. ClinVar contains an entry for this variant (Variation ID: 1921849). Advanced modeling of protein sequence and biophysical properties (such as structural, functional, and spatial information, amino acid conservation, physicochemical variation, residue mobility, and thermodynamic stability) performed at Invitae indicates that this missense variant is not expected to disrupt FAT4 protein function with a negative predictive value of 95%. In summary, the available evidence is currently insufficient to determine the role of this variant in disease. Therefore, it has been classified as a Variant of Uncertain Significance.